The following is an entry in ClinVar:

ClinVar aggregate classification (germline): Uncertain significance. Review status: criteria provided, multiple submitters, no conflicts (2 of 4 stars). 2 submissions from 2 submitters: Uncertain significance (2). Last evaluated 2025-08-24.

Conditions:
Usher syndrome type 3B. Also called: USHER SYNDROME, TYPE IIIB. Identifiers: MedGen C3281066, MONDO:0013788, OMIM 614504.

Allele frequency attached by ClinVar (database versions not stated): gnomAD exomes below 0.00001 and 0.00001; gnomAD 0.00001 and 0.00002; ExAC 0.00002; TOPMed 0.00003; ESP Exome Variant Server 0.00008.

Submissions (2):

Labcorp Genetics (formerly Invitae), Labcorp
Classification: Uncertain significance for Usher syndrome type 3B. Last evaluated: 2025-08-24. Review status: criteria provided, single submitter. Criteria: Invitae Variant Classification Sherloc (09022015). Collection method: clinical testing. Allele origin: germline.
Comment: This sequence change replaces valine, which is neutral and non-polar, with alanine, which is neutral and non-polar, at codon 481 of the HARS protein (p.Val481Ala). This variant is present in population databases (rs376596538, gnomAD 0.01%). This variant has not been reported in the literature in individuals affected with HARS-related conditions. ClinVar contains an entry for this variant (Variation ID: 1047691). Invitae Evidence Modeling of protein sequence and biophysical properties (such as structural, functional, and spatial information, amino acid conservation, physicochemical variation, residue mobility, and thermodynamic stability) indicates that this missense variant is not expected to disrupt HARS protein function with a negative predictive value of 80%. In summary, the available evidence is currently insufficient to determine the role of this variant in disease. Therefore, it has been classified as a Variant of Uncertain Significance.

Laboratory for Molecular Medicine, Mass General Brigham Personalized Medicine
Classification: Uncertain significance. Last evaluated: 2022-03-21. Review status: criteria provided, single submitter. Criteria: ACMG Guidelines, 2015. Collection method: clinical testing. Allele origin: germline.
Comment: The p.Val481Ala variant in HARS has not been previously reported in individuals with hearing loss but has been identified in 0.01% (2/16252) of African chromosomes by gnomAD. This variant has also been reported in ClinVar (Variation ID 1047691). Computational prediction tools and conservation analyses do not provide strong support for or against an impact to the protein. In summary, the clinical significance of this variant is uncertain. ACMG/AMP Criteria applied: none.

NM_002109.6(HARS1):c.1442T>C (p.Val481Ala)

Gene: HARS1 (histidyl-tRNA synthetase 1; minus strand). Cytogenetic location: 5q31.3.
Variant type: single nucleotide variant.
Coding change: c.1442T>C on transcript NM_002109.6 (MANE Select); coding-DNA position 1442, T replaced by C.
Protein change: p.Val481Ala; replaces valine 481 with alanine.
Molecular consequence: missense variant.
Genome position (GRCh38, 1-based): chr5:140,674,695, A>G on the plus strand (T>C on the coding strand, the complement: HARS1 is on the minus strand). VCF-style: chr5-140674695-A-G. GRCh37 (hg19) VCF-style: chr5-140054280-A-G.
Other names: c.1322T>C, p.Val441Ala (NM_001258040.3); c.1382T>C, p.Val461Ala (NM_001258041.3); c.1262T>C, p.Val421Ala (NM_001258042.3); c.1220T>C, p.Val407Ala (NM_001289092.2); c.1100T>C, p.Val367Ala (NM_001289093.2); c.1355T>C, p.Val452Ala (NM_001289094.2); short protein forms V421A, V461A, V481A, V367A, V441A, V407A, V452A.
Identifiers: ClinVar variation 1047691 (VCV001047691.9), dbSNP rs376596538, ClinGen allele CA3443821.